The following is an entry in ClinVar:

ClinVar aggregate classification (germline): Benign. Review status: criteria provided, multiple submitters, no conflicts (2 of 4 stars). 2 submissions from 2 submitters: Benign (2). Last evaluated 2018-06-14.

Allele frequency attached by ClinVar (database versions not stated): 1000 Genomes Project 0.54513; 1000 Genomes Project 30x 0.55497; gnomAD exomes 0.57020; gnomAD 0.61384 and 0.62414; TOPMed 0.62622.
gnomAD v4.1: 880,070 of 1,532,066 alleles (57%); highest among the groups gnomAD compares: African/African-American, 77%; 258,173 homozygotes.

Submissions (2):

GeneDx
Classification: Benign. Last evaluated: 2018-06-14. Review status: criteria provided, single submitter. Criteria: GeneDx Variant Classification (06012015). Collection method: clinical testing. Allele origin: germline. Affected: yes.
Comment: This variant is considered likely benign or benign based on one or more of the following criteria: it is a conservative change, it occurs at a poorly conserved position in the protein, it is predicted to be benign by multiple in silico algorithms, and/or has population frequency not consistent with disease.

Breakthrough Genomics
Classification: Benign. Review status: criteria provided, single submitter. Criteria: ACMG Guidelines, 2015. Collection method: not provided. Allele origin: germline. Inheritance: Autosomal recessive inheritance. Affected: yes.

NM_001195263.2(PDZD7):c.1522+88G>C

Gene: PDZD7 (PDZ domain containing 7; minus strand). Cytogenetic location: 10q24.31.
Variant type: single nucleotide variant.
Coding change: c.1522+88G>C on transcript NM_001195263.2 (MANE Select); 88 bases into the intron after coding-DNA position 1522, G replaced by C.
Molecular consequence: intron variant.
Genome position (GRCh38, 1-based): chr10:101,018,011, C>G on the plus strand (G>C on the coding strand, the complement: PDZD7 is on the minus strand). VCF-style: chr10-101018011-C-G. GRCh37 (hg19) VCF-style: chr10-102777768-C-G.
Other names: c.1522+88G>C (NM_024895.5); c.1550+88G>C (NM_001351044.2).
Identifiers: ClinVar variation 682678 (VCV000682678.2), dbSNP rs11190793, ClinGen allele CA13167063.